The following is an entry in ClinVar:

ClinVar aggregate classification (germline): Uncertain significance. Review status: criteria provided, multiple submitters, no conflicts (2 of 4 stars). 2 submissions from 2 submitters: Uncertain significance (2). Last evaluated 2025-02-07.

Allele frequency attached by ClinVar (database versions not stated): ExAC 0.00001; gnomAD exomes 0.00001; TOPMed 0.00002; ESP Exome Variant Server 0.00009.
gnomAD v4.1: 11 of 1,211,717 alleles (0.00091%); highest among the groups gnomAD compares: Non-Finnish European, 0.001%; no homozygotes.

Submissions (2):

GeneDx
Classification: Uncertain significance. Last evaluated: 2025-02-07. Review status: criteria provided, single submitter. Criteria: GeneDx Variant Classification Process June 2021. Collection method: clinical testing. Allele origin: germline. Affected: yes.
Comment: In silico analysis indicates that this missense variant does not alter protein structure/function; Has not been previously published as pathogenic or benign to our knowledge

Labcorp Genetics (formerly Invitae), Labcorp
Classification: Uncertain significance. Last evaluated: 2022-08-12. Review status: criteria provided, single submitter. Criteria: Invitae Variant Classification Sherloc (09022015). Collection method: clinical testing. Allele origin: germline.
Comment: Algorithms developed to predict the effect of missense changes on protein structure and function are either unavailable or do not agree on the potential impact of this missense change (SIFT: "Tolerated"; PolyPhen-2: "Possibly Damaging"; Align-GVGD: "Class C0"). In summary, the available evidence is currently insufficient to determine the role of this variant in disease. Therefore, it has been classified as a Variant of Uncertain Significance. This variant has not been reported in the literature in individuals affected with USP9X-related conditions. This variant is present in population databases (rs375604976, gnomAD 0.008%). This sequence change replaces asparagine, which is neutral and polar, with serine, which is neutral and polar, at codon 2441 of the USP9X protein (p.Asn2441Ser).

NM_001039591.3(USP9X):c.7322A>G (p.Asn2441Ser)

Gene: USP9X (ubiquitin specific peptidase 9 X-linked; plus strand). Cytogenetic location: Xp11.4.
Variant type: single nucleotide variant.
Coding change: c.7322A>G on transcript NM_001039591.3 (MANE Select); coding-DNA position 7322, A replaced by G.
Protein change: p.Asn2441Ser; replaces asparagine 2441 with serine.
Molecular consequence: missense variant.
Genome position (GRCh38, 1-based): chrX:41,229,670, A>G. VCF-style: chrX-41229670-A-G. GRCh37 (hg19) VCF-style: chrX-41088923-A-G.
Other names: c.7322A>G, p.Asn2441Ser (NM_001039590.3); c.7337A>G, p.Asn2446Ser (NM_001410748.1, NM_001410749.1); c.7322A>G (NM_001039590.2); short protein forms N2441S, N2446S.
Identifiers: ClinVar variation 1902163 (VCV001902163.6), dbSNP rs375604976, ClinGen allele CA10389205.